The following is an entry in ClinVar:

NM_000268.4(NF2):c.1511G>T (p.Ser504Ile)

Gene: NF2 (NF2, moesin-ezrin-radixin like (MERLIN) tumor suppressor; plus strand). Cytogenetic location: 22q12.2.
Variant type: single nucleotide variant.
Coding change: c.1511G>T on transcript NM_000268.4 (MANE Select); coding-DNA position 1511, G replaced by T.
Protein change: p.Ser504Ile; replaces serine 504 with isoleucine.
Molecular consequence: missense variant. On other transcripts: non-coding transcript variant (1), intron variant (1).
Genome position (GRCh38, 1-based): chr22:29,678,260, G>T. VCF-style: chr22-29678260-G-T. GRCh37 (hg19) VCF-style: chr22-30074249-G-T.
Other names: c.1511G>T (NM_000268.3); c.1511G>T, p.Ser504Ile (NM_016418.5, NM_181825.3, NM_181832.3); c.1385G>T, p.Ser462Ile (NM_181828.3); c.1388G>T, p.Ser463Ile (NM_181829.3); c.1262G>T, p.Ser421Ile (NM_181830.3, NM_181831.3); c.448-16492G>T (NM_181833.3); short protein forms S462I, S463I, S421I, S504I.
Identifiers: ClinVar variation 1043660 (VCV001043660.11), dbSNP rs756366940, ClinGen allele CA031826.

ClinVar aggregate classification (germline): Uncertain significance. Review status: criteria provided, multiple submitters, no conflicts (2 of 4 stars). 3 submissions from 3 submitters: Uncertain significance (3). Last evaluated 2025-10-18.

Conditions:
Neurofibromatosis, type 2 (SWNV). Also called: BILATERAL ACOUSTIC NEUROFIBROMATOSIS; NF2-Related Schwannomatosis; SCHWANNOMATOSIS, VESTIBULAR. Identifiers: Orphanet 637, MedGen C0027832, MONDO:0007039, OMIM 101000. Disease mechanism: loss of function.
Hereditary cancer-predisposing syndrome. Also called: Neoplastic Syndromes, Hereditary; Hereditary Cancer Syndrome; Hereditary neoplastic syndrome; Tumor predisposition. Identifiers: Orphanet 140162, MedGen C0027672, MeSH D009386, MONDO:0015356.

Allele frequency attached by ClinVar (database versions not stated): ExAC 0.00001; gnomAD 0.00001; gnomAD exomes below 0.00001 and 0.00001; TOPMed below 0.00001.
gnomAD v4.1: 4 of 1,614,012 alleles (0.00025%); highest among the groups gnomAD compares: Admixed American, 0.005%; no homozygotes.

Submissions (3):

Labcorp Genetics (formerly Invitae), Labcorp
Classification: Uncertain significance for Neurofibromatosis, type 2. Last evaluated: 2025-10-18. Review status: criteria provided, single submitter. Criteria: Invitae Variant Classification Sherloc (09022015). Collection method: clinical testing. Allele origin: germline.
Comment: This sequence change replaces serine, which is neutral and polar, with isoleucine, which is neutral and non-polar, at codon 504 of the NF2 protein (p.Ser504Ile). This variant is present in population databases (rs756366940, gnomAD 0.003%). This variant has not been reported in the literature in individuals affected with NF2-related conditions. ClinVar contains an entry for this variant (Variation ID: 1043660). Invitae Evidence Modeling of protein sequence and biophysical properties (such as structural, functional, and spatial information, amino acid conservation, physicochemical variation, residue mobility, and thermodynamic stability) indicates that this missense variant is not expected to disrupt NF2 protein function with a negative predictive value of 80%. In summary, the available evidence is currently insufficient to determine the role of this variant in disease. Therefore, it has been classified as a Variant of Uncertain Significance.

Ambry Genetics
Classification: Uncertain significance for Hereditary cancer-predisposing syndrome. Last evaluated: 2025-07-19. Review status: criteria provided, single submitter. Criteria: Ambry Variant Classification Scheme 2023. Collection method: clinical testing. Allele origin: germline.
Comment: The p.S504I variant (also known as c.1511G>T), located in coding exon 14 of the NF2 gene, results from a G to T substitution at nucleotide position 1511. The serine at codon 504 is replaced by isoleucine, an amino acid with dissimilar properties. This amino acid position is conserved. In addition, the in silico prediction for this alteration is inconclusive. Since supporting evidence is limited at this time, the clinical significance of this alteration remains unclear.

All of Us Research Program, National Institutes of Health
Classification: Uncertain significance for Neurofibromatosis, type 2. Last evaluated: 2023-04-27. Review status: criteria provided, single submitter. Criteria: ACMG Guidelines, 2015. Collection method: clinical testing. Allele origin: germline. Inheritance: Autosomal dominant inheritance. Observed: 1 variant allele, 1 heterozygote.
Comment: This study involves interpretation of variants in research participants for the purpose of population health screening. Participant phenotype was not available at the time of variant classification. Additional details can be found in publication PMID: 35346344, PMCID: PMC8962531